The following is an entry in ClinVar:

NM_001018113.3(FANCB):c.1668del (p.Asp557fs)

Gene: FANCB (FA complementation group B; minus strand). Cytogenetic location: Xp22.2.
Variant type: Deletion.
Coding change: c.1668del on transcript NM_001018113.3 (MANE Select); coding-DNA position 1668, one base deleted (T; older notation c.1668delT).
Protein change: p.Asp557fs; shifts the reading frame from aspartic acid 557.
Molecular consequence: frameshift variant.
Genome position (GRCh38, 1-based): chrX:14,845,115, A deleted on the plus strand (T on the coding strand, the reverse complement: FANCB is on the minus strand). VCF-style (leftmost placement, unchanged base first): chrX-14845114-CA-C. GRCh37 (hg19) VCF-style: chrX-14863236-CA-C.
Other names: c.1668del, p.Asp557fs (NM_001324162.2, NM_152633.4); c.1668delT (NM_001018113.3); c.1668del (NM_001018113.1); short protein forms D557fs.
Identifiers: ClinVar variation 562389 (VCV000562389.6), dbSNP rs1569083679, ClinGen allele CA658825001.
Genomic context (GRCh38, chrX:14,845,114, plus strand): 5'-TCTGTACACACTCTTTCTTAGATGGGTGTTCACAAACAAAGCTTTCCTCTTTCTTGCTAT[CA>C]GGGGTCAACGTGACCCTTTTTGCTTCCAATCCTATTTCACATGGCATCAAGTATGGTGCT-3'

ClinVar aggregate classification (germline): Pathogenic. Review status: criteria provided, single submitter (1 of 4 stars). 4 submissions from 4 submitters: Pathogenic (1). 3 of the submissions do not count toward it. Last evaluated 2020-10-19.

Conditions:
Fanconi anemia complementation group B (FANCB). Also called: FANCB-Related Fanconi Anemia; FANCONI PANCYTOPENIA, TYPE 2. Identifiers: Orphanet 84, MedGen C1845292, MONDO:0010351, OMIM 300514.

Allele frequency attached by ClinVar (database versions not stated): TOPMed 0.00001.

Submissions (4):

Division Of Personalized Genomic Medicine, Columbia University Irving Medical Center
Classification: Pathogenic for Fanconi anemia complementation group B. Last evaluated: 2020-10-19. Review status: criteria provided, single submitter. Criteria: ACMG Guidelines, 2015. Collection method: clinical testing. Allele origin: germline. Inheritance: X-linked inheritance. Affected: no. Observed: 1 heterozygote.
Comment: The c.1668delT variant is a heterozygous single-base deletion in exon 8 (out of 10 exons) of the FANCB (NM_001018113.3) gene. It causes a frameshift at amino acid position 557, changing aspartic acid at this position to isoleucine and resulting in a premature stop codon 21 residues downstream (p.Asp557Ilefs*21). This variant is predicted to cause loss-of-function of the protein by nonsense mediated mRNA decay. It is absent in the Genome Aggregation Database (gnomAD), indicating that it is not a common benign variant in the populations represented therein. It has also been reported in the ClinVar database as pathogenic by two submitters (Variation ID: 562389, last accessed 10/19/2020). Based on these reasons, it is classified here as a pathogenic variant.

Leiden Open Variation Database
Classification: Pathogenic for Fanconi anemia complementation group B. Last evaluated: 2020-02-28. Review status: no assertion criteria provided. Collection method: curation. Allele origin: germline. Affected: yes. Not counted in ClinVar's aggregate classification.
Comment: Curator: Arleen D. Auerbach. Submitters to LOVD: Arleen D. Auerbach, Johan de Winter.

Gharavi Laboratory, Columbia University
Classification: Pathogenic. Last evaluated: 2018-09-16. Review status: no assertion criteria provided. Criteria: ACMG Guidelines, 2015. Collection method: research. Allele origin: germline. Affected: yes. Not counted in ClinVar's aggregate classification.

OMIM
Classification: Pathogenic for FANCONI ANEMIA, COMPLEMENTATION GROUP B. Last evaluated: 2004-11-01. Review status: no assertion criteria provided. Collection method: literature only. Allele origin: germline. Not counted in ClinVar's aggregate classification.

Literature cited by the submitters: PubMed 15502827 (cited by 3 submitters); PubMed 17924555 (cited by Division Of Personalized Genomic Medicine, Columbia University Irving Medical Center and Leiden Open Variation Database).